The following is an entry in ClinVar:

ClinVar aggregate classification (germline): Uncertain significance (1 of 4 stars; one submission).

Submission:

Laboratory for Molecular Medicine, Mass General Brigham Personalized Medicine
Classification: Uncertain significance. Last evaluated: 2018-04-24. Review status: criteria provided, single submitter. Criteria: LMM Criteria. Collection method: clinical testing. Allele origin: germline. Observed: 2 variant alleles.
Comment: Variant classified as Uncertain Significance - Favor Benign. The p.Ile313Thr var iant in DFNA5 has not been previously reported in individuals with hearing loss and was absent from large population studies. Computational prediction tools and conservation analysis suggest that the p.Ile313Thr variant may not impact the p rotein, though this information is not predictive enough to rule out pathogenici ty. In summary, the clinical significance of the p.Ile313Thr variant is uncertai n but we would lean towards a benign interpretation based on computation predict ions. ACMG/AMP Criteria applied: BP4.

NM_001127453.2(GSDME):c.938T>C (p.Ile313Thr)

Gene: GSDME (gasdermin E; minus strand). Cytogenetic location: 7p15.3.
Variant type: single nucleotide variant.
Coding change: c.938T>C on transcript NM_001127453.2 (MANE Select); coding-DNA position 938, T replaced by C.
Protein change: p.Ile313Thr; replaces isoleucine 313 with threonine.
Molecular consequence: missense variant.
Genome position (GRCh38, 1-based): chr7:24,708,179, A>G on the plus strand (T>C on the coding strand, the complement: GSDME is on the minus strand). VCF-style: chr7-24708179-A-G. GRCh37 (hg19) VCF-style: chr7-24747798-A-G.
Other names: c.446T>C, p.Ile149Thr (NM_001127454.2); c.938T>C, p.Ile313Thr (NM_004403.3); short protein forms I149T, I313T.
Identifiers: ClinVar variation 667228 (VCV000667228.4), dbSNP rs1584052885, ClinGen allele CA367047351.